The following is an entry in ClinVar:

ClinVar aggregate classification (germline): Uncertain significance. Review status: criteria provided, multiple submitters, no conflicts (2 of 4 stars). 2 submissions from 2 submitters: Uncertain significance (2). Last evaluated 2025-11-24.

Conditions:
Inborn genetic diseases. Identifiers: MedGen C0950123, MeSH D030342.

Allele frequency attached by ClinVar (database versions not stated): gnomAD exomes below 0.00001.
gnomAD v4.1: 1 of 1,610,992 alleles (0.000062%); highest among the groups gnomAD compares: African/African-American, 0.0013%; no homozygotes.

Submissions (2):

Ambry Genetics
Classification: Uncertain significance for Inborn genetic diseases. Last evaluated: 2025-11-24. Review status: criteria provided, single submitter. Criteria: Ambry Variant Classification Scheme 2023. Collection method: clinical testing. Allele origin: germline.

GeneDx
Classification: Uncertain significance. Last evaluated: 2020-09-28. Review status: criteria provided, single submitter. Criteria: GeneDx Variant Classification Process June 2021. Collection method: clinical testing. Allele origin: germline. Affected: yes.
Comment: Not observed in large population cohorts (Lek et al., 2016); In silico analysis, which includes protein predictors and evolutionary conservation, supports that this variant does not alter protein structure/function; Has not been previously published as pathogenic or benign to our knowledge

NM_018060.4(IARS2):c.866C>T (p.Ser289Leu)

Gene: IARS2 (isoleucyl-tRNA synthetase 2, mitochondrial; plus strand). Cytogenetic location: 1q41.
Variant type: single nucleotide variant.
Coding change: c.866C>T on transcript NM_018060.4 (MANE Select); coding-DNA position 866, C replaced by T.
Protein change: p.Ser289Leu; replaces serine 289 with leucine.
Molecular consequence: missense variant.
Genome position (GRCh38, 1-based): chr1:220,102,693, C>T. VCF-style: chr1-220102693-C-T. GRCh37 (hg19) VCF-style: chr1-220276035-C-T.
Other names: short protein forms S289L.
Identifiers: ClinVar variation 1307710 (VCV001307710.3), dbSNP rs1571845317, ClinGen allele CA344627890.
Genomic context (GRCh38, chr1:220,102,693, plus strand): 5'-CAAAGTTATAGAATTATCCCATTTGCTAACATATTTACAATTGTATTTTCACAGATGGTT[C>T]ATCTCCTGTTAGTATTTTGGTCTGGACCACACAACCTTGGACGATTCCAGCCAATGAAGC-3'
Protein context (NP_060530.3, residues 279-299): SPKLASLIDG[Ser289Leu]SPVSILVWTT